The following is an entry in ClinVar:

ClinVar aggregate classification (germline): Pathogenic (1 of 4 stars; one submission).

Submission:

Labcorp Genetics (formerly Invitae), Labcorp
Classification: Pathogenic. Last evaluated: 2023-10-03. Review status: criteria provided, single submitter. Criteria: Invitae Variant Classification Sherloc (09022015). Collection method: clinical testing. Allele origin: germline.
Comment: This sequence change creates a premature translational stop signal (p.Glu91Alafs*58) in the CSGALNACT1 gene. It is expected to result in an absent or disrupted protein product. Loss-of-function variants in CSGALNACT1 are known to be pathogenic (PMID: 21148564, 27599773, 31325655). This variant is not present in population databases (gnomAD no frequency). This variant has not been reported in the literature in individuals affected with CSGALNACT1-related conditions. ClinVar contains an entry for this variant (Variation ID: 1451730). For these reasons, this variant has been classified as Pathogenic.

Literature cited by the submitters: PubMed 21148564; PubMed 27599773; PubMed 31325655.

NM_001354483.2(CSGALNACT1):c.272_276del (p.Glu91fs)

Gene: CSGALNACT1 (chondroitin sulfate N-acetylgalactosaminyltransferase 1; minus strand). Cytogenetic location: 8p21.3.
Variant type: Deletion.
Coding change: c.272_276del on transcript NM_001354483.2 (MANE Select); coding-DNA positions 272 to 276, 5 bases deleted (AGCAG; older notation c.272_276delAGCAG).
Protein change: p.Glu91fs; shifts the reading frame from glutamic acid 91.
Molecular consequence: frameshift variant. On other transcripts: non-coding transcript variant (7).
Genome position (GRCh38, 1-based): chr8:19,505,559-19,505,563, CTGCT deleted on the plus strand (AGCAG on the coding strand, the reverse complement: CSGALNACT1 is on the minus strand); deleting any 5 consecutive bases within chr8:19,505,559-19,505,564 gives the same sequence; the c. name uses the placement nearest the transcript's 3' end. VCF-style (leftmost placement, unchanged base first): chr8-19505558-GCTGCT-G. GRCh37 (hg19) VCF-style: chr8-19363069-GCTGCT-G.
Other names: c.272_276del, p.Glu91fs (NM_001130518.2, NM_001354475.2, NM_001354476.2 and 18 more transcripts); short protein forms E91fs.
Identifiers: ClinVar variation 1451730 (VCV001451730.6), dbSNP rs2153997235, ClinGen allele CA2573142676.